The following is an entry in ClinVar:

ClinVar aggregate classification (germline): Uncertain significance (1 of 4 stars; one submission).

Conditions:
Inborn genetic diseases. Identifiers: MedGen C0950123, MeSH D030342.

Allele frequency attached by ClinVar (database versions not stated): ExAC 0.00001.

Submission:

Ambry Genetics
Classification: Uncertain significance for Inborn genetic diseases. Last evaluated: 2021-11-21. Review status: criteria provided, single submitter. Criteria: Ambry Variant Classification Scheme 2023. Collection method: clinical testing. Allele origin: germline.
Comment: The p.M25L variant (also known as c.73A>C), located in coding exon 2 of the ERCC2 gene, results from an A to C substitution at nucleotide position 73. The methionine at codon 25 is replaced by leucine, an amino acid with highly similar properties. This amino acid position is conserved. In addition, this alteration is predicted to be deleterious by in silico analysis. Since supporting evidence is limited at this time, the clinical significance of this alteration remains unclear.

NM_000400.4(ERCC2):c.73A>C (p.Met25Leu)

Gene: ERCC2 (ERCC excision repair 2, TFIIH core complex helicase subunit; minus strand). Cytogenetic location: 19q13.32.
Variant type: single nucleotide variant.
Coding change: c.73A>C on transcript NM_000400.4 (MANE Select); coding-DNA position 73, A replaced by C.
Protein change: p.Met25Leu; replaces methionine 25 with leucine.
Molecular consequence: missense variant. On other transcripts: initiator codon variant (1).
Genome position (GRCh38, 1-based): chr19:45,370,165, T>G on the plus strand (A>C on the coding strand, the complement: ERCC2 is on the minus strand). VCF-style: chr19-45370165-T-G. GRCh37 (hg19) VCF-style: chr19-45873423-T-G.
Other names: c.1A>C, p.Met1Leu (NM_001130867.2); short protein forms M25L, M1L.
Identifiers: ClinVar variation 1758710 (VCV001758710.3), dbSNP rs773848568, ClinGen allele CA9513941.